The following is an entry in ClinVar:

NM_014714.4(IFT140):c.2257A>G (p.Met753Val)

Gene: IFT140 (intraflagellar transport 140; minus strand). Cytogenetic location: 16p13.3.
Variant type: single nucleotide variant.
Coding change: c.2257A>G on transcript NM_014714.4 (MANE Select); coding-DNA position 2257, A replaced by G.
Protein change: p.Met753Val; replaces methionine 753 with valine.
Molecular consequence: missense variant.
Genome position (GRCh38, 1-based): chr16:1,558,077, T>C on the plus strand (A>G on the coding strand, the complement: IFT140 is on the minus strand). VCF-style: chr16-1558077-T-C. GRCh37 (hg19) VCF-style: chr16-1608078-T-C.
Other names: short protein forms M753V.
Identifiers: ClinVar variation 4697655 (VCV004697655.1).

ClinVar aggregate classification (germline): Uncertain significance (1 of 4 stars; one submission).

Conditions:
Saldino-Mainzer syndrome (SRTD9). Also called: CONORENAL SYNDROME; Renal dysplasia, retinal pigmentary dystrophy, cerebellar ataxia and skeletal dysplasia; SHORT-RIB THORACIC DYSPLASIA 9 WITHOUT POLYDACTYLY; short-rib thoracic dysplasia 9 with or without polydactyly. Identifiers: Orphanet 140969, MedGen C1849437, MONDO:0009964, OMIM 266920.

Submission:

Labcorp Genetics (formerly Invitae), Labcorp
Classification: Uncertain significance for Saldino-Mainzer syndrome. Last evaluated: 2025-05-04. Review status: criteria provided, single submitter. Criteria: Invitae Variant Classification Sherloc (09022015). Collection method: clinical testing. Allele origin: germline.
Comment: This sequence change replaces methionine, which is neutral and non-polar, with valine, which is neutral and non-polar, at codon 753 of the IFT140 protein (p.Met753Val). This variant is not present in population databases (gnomAD no frequency). This variant has not been reported in the literature in individuals affected with IFT140-related conditions. Invitae Evidence Modeling of protein sequence and biophysical properties (such as structural, functional, and spatial information, amino acid conservation, physicochemical variation, residue mobility, and thermodynamic stability) indicates that this missense variant is not expected to disrupt IFT140 protein function with a negative predictive value of 80%. In summary, the available evidence is currently insufficient to determine the role of this variant in disease. Therefore, it has been classified as a Variant of Uncertain Significance.